The following is an entry in ClinVar:

ClinVar aggregate classification (germline): Uncertain significance (1 of 4 stars; one submission).

Conditions:
Norman-Roberts syndrome (LIS2). Also called: Lissencephaly 2 (Norman-Roberts type). Identifiers: Orphanet 89844, MedGen C0796089, MONDO:0009760, OMIM 257320.
Familial temporal lobe epilepsy 7. Identifiers: Orphanet 101046, MedGen C4225327, MONDO:0014639, OMIM 616436.

Submission:

Labcorp Genetics (formerly Invitae), Labcorp
Classification: Uncertain significance for Familial temporal lobe epilepsy 7; Norman-Roberts syndrome. Last evaluated: 2021-09-23. Review status: criteria provided, single submitter. Criteria: Invitae Variant Classification Sherloc (09022015). Collection method: clinical testing. Allele origin: germline.
Comment: This variant is not present in population databases (ExAC no frequency). In summary, the available evidence is currently insufficient to determine the role of this variant in disease. Therefore, it has been classified as a Variant of Uncertain Significance. Algorithms developed to predict the effect of missense changes on protein structure and function are either unavailable or do not agree on the potential impact of this missense change (SIFT: "Deleterious"; PolyPhen-2: "Probably Damaging"; Align-GVGD: "Class C0"). This variant has not been reported in the literature in individuals affected with RELN-related conditions. This sequence change replaces valine with phenylalanine at codon 2761 of the RELN protein (p.Val2761Phe). The valine residue is moderately conserved and there is a small physicochemical difference between valine and phenylalanine.

NM_005045.4(RELN):c.8281G>T (p.Val2761Phe)

Genes: SLC26A5-AS1 (SLC26A5 antisense RNA 1; plus strand), RELN (reelin; minus strand). Cytogenetic location: 7q22.1.
Variant type: single nucleotide variant.
Coding change: c.8281G>T on transcript NM_005045.4 (MANE Select); coding-DNA position 8281, G replaced by T.
Protein change: p.Val2761Phe; replaces valine 2761 with phenylalanine.
Molecular consequence: missense variant.
Genome position (GRCh38, 1-based): chr7:103,503,224, C>A on the plus strand (G>T on the coding strand, the complement: RELN is on the minus strand). VCF-style: chr7-103503224-C-A. GRCh37 (hg19) VCF-style: chr7-103143671-C-A.
Other names: c.8281G>T, p.Val2761Phe (NM_173054.3); short protein forms V2761F.
Identifiers: ClinVar variation 1420185 (VCV001420185.6), dbSNP rs1829094065, ClinGen allele CA368758196.